The following is an entry in ClinVar:

NM_194248.3(OTOF):c.1310dup (p.Met437fs)

Gene: OTOF (otoferlin; minus strand). Cytogenetic location: 2p23.3.
Variant type: Duplication.
Coding change: c.1310dup on transcript NM_194248.3 (MANE Select); coding-DNA position 1310, one base duplicated (T; older notation c.1310dupT).
Protein change: p.Met437fs; shifts the reading frame from methionine 437.
Molecular consequence: frameshift variant.
Genome position (GRCh38, 1-based): chr2:26,483,544, A duplicated on the plus strand (T on the coding strand, the reverse complement: OTOF is on the minus strand). VCF-style (leftmost placement, unchanged base first): chr2-26483543-C-CA. GRCh37 (hg19) VCF-style: chr2-26706411-C-CA.
Other names: c.1310dup, p.Met437fs (NM_001287489.2); short protein forms M437fs.
Identifiers: ClinVar variation 4734322 (VCV004734322.1).

ClinVar aggregate classification (germline): Pathogenic (1 of 4 stars; one submission).

Submission:

Labcorp Genetics (formerly Invitae), Labcorp
Classification: Pathogenic. Last evaluated: 2025-12-29. Review status: criteria provided, single submitter. Criteria: Invitae Variant Classification Sherloc (09022015). Collection method: clinical testing. Allele origin: germline.
Comment: This sequence change creates a premature translational stop signal (p.Met437Ilefs*11) in the OTOF gene. It is expected to result in an absent or disrupted protein product. Loss-of-function variants in OTOF are known to be pathogenic (PMID: 18381613, 19250381, 22575033). This variant is not present in population databases (gnomAD no frequency). This variant has not been reported in the literature in individuals affected with OTOF-related conditions. For these reasons, this variant has been classified as Pathogenic.

Literature cited by the submitters: PubMed 18381613; PubMed 19250381; PubMed 22575033.